The following is an entry in ClinVar:

ClinVar aggregate classification (germline): Conflicting classifications of pathogenicity. Review status: criteria provided, conflicting classifications (1 of 4 stars). 2 submissions from 2 submitters: Uncertain significance (1); Likely benign (1). Last evaluated 2025-08-20.

Conditions:
Familial thoracic aortic aneurysm and aortic dissection (TAAD). Also called: Thoracic aortic aneurysms and dissections. Identifiers: Orphanet 91387, MedGen C4707243, MONDO:0019625.
Marfan syndrome (MFS). Also called: Marfan syndrome, classic; Marfan syndrome type 1; Marfan's syndrome; FBN1-Related Marfan Syndrome; MARFAN SYNDROME, TYPE I. Identifiers: Orphanet 284963, Orphanet 558, MedGen C0024796, MONDO:0007947, OMIM 154700.

Allele frequency attached by ClinVar (database versions not stated): gnomAD exomes below 0.00001.
gnomAD v4.1: 1 of 1,613,906 alleles (0.000062%); highest among the groups gnomAD compares: East Asian, 0.0022%; no homozygotes.

Submissions (2):

Color Diagnostics, LLC DBA Color Health
Classification: Likely benign for Familial thoracic aortic aneurysm and aortic dissection. Last evaluated: 2025-08-20. Review status: criteria provided, single submitter. Criteria: ACMG Guidelines, 2015. Collection method: clinical testing. Allele origin: germline.

All of Us Research Program, National Institutes of Health
Classification: Uncertain significance for Marfan syndrome. Last evaluated: 2024-06-11. Review status: criteria provided, single submitter. Criteria: ACMG Guidelines, 2015. Collection method: clinical testing. Allele origin: germline. Inheritance: Autosomal dominant inheritance. Observed: 1 variant allele, 1 heterozygote.
Comment: This missense variant replaces proline with arginine at codon 423 of the FBN1 protein. Computational prediction suggests that this variant may not impact protein structure and function (internally defined REVEL score threshold <= 0.5, PMID: 27666373). Splice site prediction tools suggest that this variant may not impact RNA splicing. To our knowledge, functional studies have not been reported for this variant. This variant has not been reported in individuals affected with cardiovascular disorders in the literature. This variant has been identified in 1/251268 chromosomes in the general population by the Genome Aggregation Database (gnomAD). The available evidence is insufficient to determine the role of this variant in disease conclusively. Therefore, this variant is classified as a Variant of Uncertain Significance.

This study involves interpretation of variants in research participants for the purpose of population health screening. Participant phenotype was not available at the time of variant classification. Additional details can be found in publication PMID: 35346344, PMCID: PMC8962531

NM_000138.5(FBN1):c.1268C>G (p.Pro423Arg)

Gene: FBN1 (fibrillin 1; minus strand). Cytogenetic location: 15q21.1.
Variant type: single nucleotide variant.
Coding change: c.1268C>G on transcript NM_000138.5 (MANE Select); coding-DNA position 1268, C replaced by G.
Protein change: p.Pro423Arg; replaces proline 423 with arginine.
Molecular consequence: missense variant.
Genome position (GRCh38, 1-based): chr15:48,516,242, G>C on the plus strand (C>G on the coding strand, the complement: FBN1 is on the minus strand). VCF-style: chr15-48516242-G-C. GRCh37 (hg19) VCF-style: chr15-48808439-G-C.
Other names: short protein forms P423R.
Identifiers: ClinVar variation 919540 (VCV000919540.7), dbSNP rs1298538974, ClinGen allele CA392345498.